The following is an entry in ClinVar:

ClinVar aggregate classification (germline): Benign/Likely benign. Review status: criteria provided, multiple submitters, no conflicts (2 of 4 stars). 4 submissions from 4 submitters: Benign (1); Likely benign (2). 1 of the submissions does not count toward it. Last evaluated 2025-10-02.

Conditions:
BCOR-related disorder. Also called: BCOR-related disorders; BCOR-related condition.
History of neurodevelopmental disorder. Identifiers: MedGen C2711754.
Oculofaciocardiodental syndrome (MCOPS2). Identifiers: Orphanet 2712, MedGen C1846265, MONDO:0010261, OMIM 300166.

Allele frequency attached by ClinVar (database versions not stated): TOPMed 0.00034; ESP Exome Variant Server 0.00038; 1000 Genomes Project 30x 0.00104.
gnomAD v4.1: 168 of 1,210,386 alleles (0.014%); highest among the groups gnomAD compares: African/African-American, 0.16%; 3 homozygotes.

Submissions (4):

Labcorp Genetics (formerly Invitae), Labcorp
Classification: Benign for Oculofaciocardiodental syndrome. Last evaluated: 2025-10-02. Review status: criteria provided, single submitter. Criteria: Invitae Variant Classification Sherloc (09022015). Collection method: clinical testing. Allele origin: germline.

Blueprint Genetics
Classification: Likely benign. Last evaluated: 2024-06-24. Review status: criteria provided, single submitter. Criteria: ACMG Guidelines, 2015. Collection method: clinical testing. Allele origin: germline.

Ambry Genetics
Classification: Likely benign for History of neurodevelopmental disorder. Last evaluated: 2013-01-15. Review status: criteria provided, single submitter. Criteria: Ambry Autosomal Dominant and X-Linked criteria (10/2015). Collection method: clinical testing. Allele origin: germline. Observed: 1 variant allele.

PreventionGenetics, part of Exact Sciences
Classification: Likely benign for BCOR-related condition. Last evaluated: 2020-01-27. Review status: no assertion criteria provided. Collection method: clinical testing. Allele origin: germline. Not counted in ClinVar's aggregate classification.
Comment: This variant is classified as likely benign based on ACMG/AMP sequence variant interpretation guidelines (Richards et al. 2015 PMID: 25741868, with internal and published modifications).

NM_001123385.2(BCOR):c.3305T>G (p.Val1102Gly)

Gene: BCOR (BCL6 corepressor; minus strand). Cytogenetic location: Xp11.4.
Variant type: single nucleotide variant.
Coding change: c.3305T>G on transcript NM_001123385.2 (MANE Select); coding-DNA position 3305, T replaced by G.
Protein change: p.Val1102Gly; replaces valine 1102 with glycine.
Molecular consequence: missense variant.
Genome position (GRCh38, 1-based): chrX:40,064,533, A>C on the plus strand (T>G on the coding strand, the complement: BCOR is on the minus strand). VCF-style: chrX-40064533-A-C. GRCh37 (hg19) VCF-style: chrX-39923786-A-C.
Other names: c.3305T>G, p.Val1102Gly (NM_001123383.2, NM_017745.6); c.3251T>G, p.Val1084Gly (NM_001123384.2); short protein forms V1102G, V1084G.
Identifiers: ClinVar variation 590251 (VCV000590251.15), dbSNP rs111622737, ClinGen allele CA10386660.
Genomic context (GRCh38, chrX:40,064,533, plus strand): 5'-GAGGCCACCTGGTCTGCGGGAGGCTCGCTCACAGGCTGCCTCTCCACAAAGTACTTCTCC[A>C]CAGGAAGATCTTTGTCCTCTGGGGCTTCAAAGGGATCACGGTGCTTGTTTCCAACACTAT-3'
Protein context (NP_001116857.1, residues 1092-1112): FEAPEDKDLP[Val1102Gly]EKYFVERQPV